The following is an entry in ClinVar:

NM_005026.5(PIK3CD):c.399C>A (p.Asp133Glu)

Gene: PIK3CD (phosphatidylinositol-4,5-bisphosphate 3-kinase catalytic subunit delta; plus strand). Cytogenetic location: 1p36.22.
Variant type: single nucleotide variant.
Coding change: c.399C>A on transcript NM_005026.5 (MANE Select); coding-DNA position 399, C replaced by A.
Protein change: p.Asp133Glu; replaces aspartic acid 133 with glutamic acid.
Molecular consequence: missense variant.
Genome position (GRCh38, 1-based): chr1:9,715,877, C>A. VCF-style: chr1-9715877-C-A. GRCh37 (hg19) VCF-style: chr1-9775935-C-A.
Other names: c.399C>A, p.Asp133Glu (NM_001350234.2, NM_001350235.1); short protein forms D133E.
Identifiers: ClinVar variation 3640649 (VCV003640649.3).
Genomic context (GRCh38, chr1:9,715,877, plus strand): 5'-CACCCGCTGACCCAGCCCTCCCCACCCCGCAGGCCTCCACGAGTTTGACTCCTTGTGCGA[C>A]CCAGAAGTGAACGACTTTCGCGCCAAGATGTGCCAATTCTGCGAGGAGGCGGCCGCCCGC-3'
Protein context (NP_005017.3, residues 123-143): KGLHEFDSLC[Asp133Glu]PEVNDFRAKM

ClinVar aggregate classification (germline): Uncertain significance. Review status: criteria provided, multiple submitters, no conflicts (2 of 4 stars). 2 submissions from 2 submitters: Uncertain significance (2). Last evaluated 2026-03-26.

Conditions:
Immunodeficiency 14 (IMD14A). Also called: p110-DELTA-ACTIVATING MUTATION CAUSING SENESCENT T CELLS, LYMPHADENOPATHY, AND IMMUNODEFICIENCY; IMMUNODEFICIENCY 14A WITH LYMPHOPROLIFERATION, AUTOSOMAL DOMINANT; ACTIVATED PI3K-DELTA SYNDROME 1; Activated PI3K Delta Syndrome Type 1 (APDS1). Identifiers: Orphanet 397596, Orphanet 693661, MedGen C5907821, MONDO:0014222, OMIM 615513.

Submissions (2):

GeneDx
Classification: Uncertain significance. Last evaluated: 2026-03-26. Review status: criteria provided, single submitter. Criteria: GeneDx Variant Classification Process June 2021. Collection method: clinical testing. Allele origin: germline.
Comment: Not observed at significant frequency in large population cohorts (gnomAD); In silico analysis suggests that this missense variant does not alter protein structure/function; Has not been previously published as pathogenic or benign to our knowledge

Labcorp Genetics (formerly Invitae), Labcorp
Classification: Uncertain significance for Activated PI3K-delta syndrome. Last evaluated: 2024-02-14. Review status: criteria provided, single submitter. Criteria: Invitae Variant Classification Sherloc (09022015). Collection method: clinical testing. Allele origin: germline.
Comment: This sequence change replaces aspartic acid, which is acidic and polar, with glutamic acid, which is acidic and polar, at codon 133 of the PIK3CD protein (p.Asp133Glu). This variant is not present in population databases (gnomAD no frequency). This variant has not been reported in the literature in individuals affected with PIK3CD-related conditions. Advanced modeling of protein sequence and biophysical properties (such as structural, functional, and spatial information, amino acid conservation, physicochemical variation, residue mobility, and thermodynamic stability) performed at Invitae indicates that this missense variant is not expected to disrupt PIK3CD protein function with a negative predictive value of 80%. In summary, the available evidence is currently insufficient to determine the role of this variant in disease. Therefore, it has been classified as a Variant of Uncertain Significance.